The following is an entry in ClinVar:

NM_001035.3(RYR2):c.12663C>A (p.Ser4221Arg)

Genes: RYR2 (ryanodine receptor 2; plus strand), LOC126806068 (BRD4-independent group 4 enhancer GRCh37_chr1:237947411-237948610; plus strand). Cytogenetic location: 1q43.
Variant type: single nucleotide variant.
Coding change: c.12663C>A on transcript NM_001035.3 (MANE Select); coding-DNA position 12663, C replaced by A.
Protein change: p.Ser4221Arg; replaces serine 4221 with arginine.
Molecular consequence: missense variant.
Genome position (GRCh38, 1-based): chr1:237,784,375, C>A. VCF-style: chr1-237784375-C-A. GRCh37 (hg19) VCF-style: chr1-237947675-C-A.
Other names: short protein forms S4221R.
Identifiers: ClinVar variation 3072360 (VCV003072360.2), dbSNP rs370297602, ClinGen allele CA345413863.

ClinVar aggregate classification (germline): Uncertain significance. Review status: criteria provided, multiple submitters, no conflicts (2 of 4 stars). 2 submissions from 2 submitters: Uncertain significance (2). Last evaluated 2024-05-06.

Conditions:
Cardiomyopathy (CMYO). Also called: Cardiomyopathies. Identifiers: Orphanet 167848, MedGen C0878544, MONDO:0004994, HP:0001638. Inheritance: Various modes of inheritance.
Catecholaminergic polymorphic ventricular tachycardia (CVPT). Also called: Catecholamine-induced polymorphic ventricular tachycardia. Identifiers: Orphanet 3286, MedGen C5574922, MONDO:0017990.

gnomAD v4.1: 2 of 1,613,800 alleles (0.00012%); highest among the groups gnomAD compares: Non-Finnish European, 0.000085%; no homozygotes.

Submissions (2):

Color Diagnostics, LLC DBA Color Health
Classification: Uncertain significance for Cardiomyopathy. Last evaluated: 2024-05-06. Review status: criteria provided, single submitter. Criteria: ACMG Guidelines, 2015. Collection method: clinical testing. Allele origin: germline.
Comment: This missense variant replaces serine with arginine at codon 4221 of the RYR2 protein. Computational prediction suggests that this variant may not impact protein structure and function (internally defined REVEL score threshold <= 0.5, PMID: 27666373). To our knowledge, functional studies have not been reported for this variant. This variant has not been reported in individuals affected with RYR2-related disorders in the literature. This variant has not been identified in the general population by the Genome Aggregation Database (gnomAD). The available evidence is insufficient to determine the role of this variant in disease conclusively. Therefore, this variant is classified as a Variant of Uncertain Significance.

All of Us Research Program, National Institutes of Health
Classification: Uncertain significance for Catecholaminergic polymorphic ventricular tachycardia. Last evaluated: 2023-07-10. Review status: criteria provided, single submitter. Criteria: ACMG Guidelines, 2015. Collection method: clinical testing. Allele origin: germline. Inheritance: Autosomal dominant inheritance. Observed: 1 variant allele, 1 heterozygote.
Comment: This missense variant replaces serine with arginine at codon 4221 of the RYR2 protein. Computational prediction suggests that this variant may not impact protein structure and function (internally defined REVEL score threshold <= 0.5, PMID: 27666373). To our knowledge, functional studies have not been reported for this variant. This variant has not been reported in individuals affected with RYR2-related disorders in the literature. This variant has not been identified in the general population by the Genome Aggregation Database (gnomAD). The available evidence is insufficient to determine the role of this variant in disease conclusively. Therefore, this variant is classified as a Variant of Uncertain Significance.

This study involves interpretation of variants in research participants for the purpose of population health screening. Participant phenotype was not available at the time of variant classification. Additional details can be found in publication PMID: 35346344, PMCID: PMC8962531